The following is an entry in ClinVar:

ClinVar aggregate classification (germline): Uncertain significance. Review status: criteria provided, multiple submitters, no conflicts (2 of 4 stars). 3 submissions from 3 submitters: Uncertain significance (3). Last evaluated 2026-03-03.

Conditions:
Epileptic encephalopathy. Identifiers: MedGen C0543888, HP:0200134.
RYR3-related disorder. Also called: RYR3-related condition.

Allele frequency attached by ClinVar (database versions not stated): gnomAD exomes 0.00002; ExAC 0.00003; gnomAD 0.00015; TOPMed 0.00019; 1000 Genomes Project 0.00040; 1000 Genomes Project 30x 0.00047.
gnomAD v4.1: 36 of 1,614,026 alleles (0.0022%); highest among the groups gnomAD compares: Admixed American, 0.047%; 1 homozygote.

Submissions (4):

PreventionGenetics, part of Exact Sciences
Classification: Uncertain significance for RYR3-related condition. Last evaluated: 2026-03-03. Review status: criteria provided, single submitter. Criteria: ACMG Guidelines, 2015. Collection method: clinical testing. Allele origin: germline.
Comment: The RYR3 c.12437G>T variant is predicted to result in the amino acid substitution p.Cys4146Phe. To our knowledge, this variant has not been reported in the literature. This variant is reported in 0.0085% of alleles in individuals of Latino descent in gnomAD. At this time, the clinical significance of this variant is uncertain due to the absence of conclusive functional and genetic evidence.

Labcorp Genetics (formerly Invitae), Labcorp
Classification: Uncertain significance for Epileptic encephalopathy. Last evaluated: 2025-09-02. Review status: criteria provided, single submitter. Criteria: Invitae Variant Classification Sherloc (09022015). Collection method: clinical testing. Allele origin: germline.
Comment: This sequence change replaces cysteine, which is neutral and slightly polar, with phenylalanine, which is neutral and non-polar, at codon 4146 of the RYR3 protein (p.Cys4146Phe). This variant is present in population databases (rs191637587, gnomAD 0.01%). This variant has not been reported in the literature in individuals affected with RYR3-related conditions. ClinVar contains an entry for this variant (Variation ID: 954517). Invitae Evidence Modeling of protein sequence and biophysical properties (such as structural, functional, and spatial information, amino acid conservation, physicochemical variation, residue mobility, and thermodynamic stability) indicates that this missense variant is not expected to disrupt RYR3 protein function with a negative predictive value of 80%. In summary, the available evidence is currently insufficient to determine the role of this variant in disease. Therefore, it has been classified as a Variant of Uncertain Significance.

Ambry Genetics
Classification: Uncertain significance. Last evaluated: 2021-06-22. Review status: criteria provided, single submitter. Criteria: Ambry Variant Classification Scheme 2023. Collection method: clinical testing. Allele origin: germline.

Dr. Peter K. Rogan Lab, Western University
No classification provided (evidence only). Condition: Nonpapillary renal cell carcinoma. Review status: no classification provided. Collection method: in vitro. Allele origin: not applicable. Functional consequence: skipped exon. Not counted in ClinVar's aggregate classification.

NM_001036.6(RYR3):c.12437G>T (p.Cys4146Phe)

Gene: RYR3 (ryanodine receptor 3; plus strand). Cytogenetic location: 15q14.
Variant type: single nucleotide variant.
Coding change: c.12437G>T on transcript NM_001036.6 (MANE Select); coding-DNA position 12437, G replaced by T.
Protein change: p.Cys4146Phe; replaces cysteine 4146 with phenylalanine.
Molecular consequence: missense variant.
Genome position (GRCh38, 1-based): chr15:33,838,417, G>T. VCF-style: chr15-33838417-G-T. GRCh37 (hg19) VCF-style: chr15-34130618-G-T.
Other names: c.12422G>T, p.Cys4141Phe (NM_001243996.4); c.12437G>T (NM_001036.3); short protein forms C4146F, C4141F.
Identifiers: ClinVar variation 954517 (VCV000954517.13), dbSNP rs191637587, ClinGen allele CA7461403.
Genomic context (GRCh38, chr15:33,838,417, plus strand): 5'-TTGCGGGTGAAGAGGAAGAAGACGGGTCTCTTGAGCCGGCCTCTGCATTTGCTATGGCCT[G>T]TGCCTCTGTGAAGAGGAATGTCACCGACTTCCTGAAGAGAGCAACCCTGAAGAACCTCAG-3'
Protein context (NP_001027.3, residues 4136-4156): LEPASAFAMA[Cys4146Phe]ASVKRNVTDF